The following is an entry in ClinVar:

NM_015512.5(DNAH1):c.5611-1G>A

Gene: DNAH1 (dynein axonemal heavy chain 1; plus strand). Cytogenetic location: 3p21.1.
Variant type: single nucleotide variant.
Coding change: c.5611-1G>A on transcript NM_015512.5 (MANE Select); the canonical splice acceptor site of the intron before coding-DNA position 5611, G replaced by A.
Molecular consequence: splice acceptor variant.
Genome position (GRCh38, 1-based): chr3:52,366,732, G>A. VCF-style: chr3-52366732-G-A. GRCh37 (hg19) VCF-style: chr3-52400748-G-A.
Other names: c.5611-1G>A (NM_015512.4).
Identifiers: ClinVar variation 1504260 (VCV001504260.7), dbSNP rs759219188, ClinGen allele CA2434274.
Genomic context (GRCh38, chr3:52,366,732, plus strand): 5'-CCCCCAGCCCACTCTAGCCCTGCTCTCTGGGAGCCTCACTCTCAGGCGGTCCGTCTCCCA[G>A]TGTTACAGAGTCCTGGCAGCTGCCATGACGTCACTGAAAGGGCAGCCATCCATCAGTGGT-3'

ClinVar aggregate classification (germline): Likely pathogenic. Review status: criteria provided, multiple submitters, no conflicts (2 of 4 stars). 2 submissions from 2 submitters: Likely pathogenic (2). Last evaluated 2024-06-08.

Conditions:
Primary ciliary dyskinesia. Also called: Ciliary dyskinesia. Identifiers: Orphanet 244, MedGen C0008780, MONDO:0016575, HP:0012265.
Spermatogenic failure 18. Identifiers: MedGen C4539783, MONDO:0054615, OMIM 617576.
Ciliary dyskinesia, primary, 37 (CILD37). Also called: CILIARY DYSKINESIA, PRIMARY, 37, WITH OR WITHOUT SITUS INVERSUS. Identifiers: MedGen C4539798, MONDO:0033204, OMIM 617577.

Allele frequency attached by ClinVar (database versions not stated): gnomAD exomes 0.00002; ExAC 0.00002.

Submissions (2):

Labcorp Genetics (formerly Invitae), Labcorp
Classification: Likely pathogenic for Ciliary dyskinesia, primary, 37; Spermatogenic failure 18. Last evaluated: 2024-06-08. Review status: criteria provided, single submitter. Criteria: Invitae Variant Classification Sherloc (09022015). Collection method: clinical testing. Allele origin: germline.
Comment: This sequence change affects an acceptor splice site in intron 35 of the DNAH1 gene. It is expected to disrupt RNA splicing. Variants that disrupt the donor or acceptor splice site typically lead to a loss of protein function (PMID: 16199547), and loss-of-function variants in DNAH1 are known to be pathogenic (PMID: 27573432, 27798045). This variant is present in population databases (rs759219188, gnomAD 0.003%). This variant has not been reported in the literature in individuals affected with DNAH1-related conditions. ClinVar contains an entry for this variant (Variation ID: 1504260). Algorithms developed to predict the effect of sequence changes on RNA splicing suggest that this variant may disrupt the consensus splice site. In summary, the currently available evidence indicates that the variant is pathogenic, but additional data are needed to prove that conclusively. Therefore, this variant has been classified as Likely Pathogenic.

Molecular Genetics McLendon Clinical Laboratories, University of North Carolina at Chapel Hill
Classification: Likely pathogenic for Primary ciliary dyskinesia. Last evaluated: 2022-12-01. Review status: criteria provided, single submitter. Criteria: ACMG Guidelines, 2015. Collection method: clinical testing. Allele origin: germline.

Literature cited by the submitters: PubMed 16199547 (cited by Labcorp Genetics (formerly Invitae), Labcorp); PubMed 27573432 (cited by Labcorp Genetics (formerly Invitae), Labcorp); PubMed 27798045 (cited by Labcorp Genetics (formerly Invitae), Labcorp).